The following is an entry in ClinVar:

NM_032043.3(BRIP1):c.1964C>T (p.Pro655Leu)

Gene: BRIP1 (BRCA1 interacting DNA helicase 1; minus strand). Cytogenetic location: 17q23.2.
Variant type: single nucleotide variant.
Coding change: c.1964C>T on transcript NM_032043.3 (MANE Select); coding-DNA position 1964, C replaced by T.
Protein change: p.Pro655Leu; replaces proline 655 with leucine.
Molecular consequence: missense variant.
Genome position (GRCh38, 1-based): chr17:61,776,534, G>A on the plus strand (C>T on the coding strand, the complement: BRIP1 is on the minus strand). VCF-style: chr17-61776534-G-A. GRCh37 (hg19) VCF-style: chr17-59853895-G-A.
Other names: short protein forms P655L.
Identifiers: ClinVar variation 2954126 (VCV002954126.3), dbSNP rs767872111, ClinGen allele CA400478548.

ClinVar aggregate classification (germline): Uncertain significance (1 of 4 stars; one submission).

Conditions:
Familial cancer of breast. Also called: BREAST CANCER, FAMILIAL; hereditary breast carcinoma; Hereditary breast cancer. Identifiers: Orphanet 227535, MedGen C0346153, MONDO:0016419, OMIM 114480. Disease mechanism: loss of function.
Fanconi anemia complementation group J. Also called: BRIP1-Related Fanconi Anemia. Identifiers: Orphanet 84, MedGen C1836860, MONDO:0012187, OMIM 609054.

Submission:

Labcorp Genetics (formerly Invitae), Labcorp
Classification: Uncertain significance for Familial cancer of breast; Fanconi anemia complementation group J. Last evaluated: 2024-03-06. Review status: criteria provided, single submitter. Criteria: Invitae Variant Classification Sherloc (09022015). Collection method: clinical testing. Allele origin: germline.
Comment: This sequence change replaces proline, which is neutral and non-polar, with leucine, which is neutral and non-polar, at codon 655 of the BRIP1 protein (p.Pro655Leu). This variant is not present in population databases (gnomAD no frequency). This variant has not been reported in the literature in individuals affected with BRIP1-related conditions. Advanced modeling of protein sequence and biophysical properties (such as structural, functional, and spatial information, amino acid conservation, physicochemical variation, residue mobility, and thermodynamic stability) performed at Invitae indicates that this missense variant is expected to disrupt BRIP1 protein function with a positive predictive value of 80%. In summary, the available evidence is currently insufficient to determine the role of this variant in disease. Therefore, it has been classified as a Variant of Uncertain Significance.